The following is an entry in ClinVar:

ClinVar aggregate classification (germline): Pathogenic (1 of 4 stars; one submission).

Conditions:
Charcot-Marie-Tooth disease type 2. Also called: Charcot-Marie-Tooth type 2. Identifiers: Orphanet 64746, MedGen C0270914, MONDO:0018993.

Submission:

Labcorp Genetics (formerly Invitae), Labcorp
Classification: Pathogenic for Charcot-Marie-Tooth disease type 2. Last evaluated: 2019-01-14. Review status: criteria provided, single submitter. Criteria: Invitae Variant Classification Sherloc (09022015). Collection method: clinical testing. Allele origin: germline.
Comment: This variant is a gross deletion of the genomic region encompassing exon 1 of the LMNA gene, which includes the initiator codon. The 5' end of this event is unknown as it extends beyond the assayed region for this gene and therefore may encompass additional genes. The 3' boundary is likely confined to intron 1 of the LMNA gene. This is expected to result in an absent or disrupted protein product. This variant has been reported to segregate with dilated cardiomyopathy (DCM) in a large multigenerational family, and has been also found in independent individuals affected with DCM and cardiac conduction defect (PMID: 16407522, 17599607, 27066507). Loss-of-function variants in LMNA are known to be pathogenic (PMID: 18585512, 18926329). For these reasons, this variant has been classified as Pathogenic.

Literature cited by the submitters: PubMed 27066507; PubMed 17599607; PubMed 16407522.

NC_000001.11:g.(?_156114909)_(156115284_?)del

Genes: LMNA (lamin A/C; plus strand), LOC129931597 (ATAC-STARR-seq lymphoblastoid silent region 1421; plus strand). Cytogenetic location: 1q22.
Variant type: Deletion.
Identifiers: ClinVar variation 655760 (VCV000655760.2).